The following is an entry in ClinVar:

ClinVar aggregate classification (germline): Uncertain significance. Review status: criteria provided, multiple submitters, no conflicts (2 of 4 stars). 2 submissions from 2 submitters: Uncertain significance (2). Last evaluated 2021-10-12.

Conditions:
Hereditary cancer-predisposing syndrome. Also called: Neoplastic Syndromes, Hereditary; Tumor predisposition; Hereditary Cancer Syndrome; Hereditary neoplastic syndrome. Identifiers: Orphanet 140162, MedGen C0027672, MeSH D009386, MONDO:0015356.

Submissions (2):

Genetic Services Laboratory, University of Chicago
Classification: Uncertain significance. Last evaluated: 2021-10-12. Review status: criteria provided, single submitter. Criteria: ACMG Guidelines, 2015. Collection method: clinical testing. Allele origin: germline. Affected: no.
Comment: DNA sequence analysis of the PALB2 demonstrated a three base pair deletion in exon 11, c.3157_3159del. This in-frame deletion is predicted to result in the deletion of a single amino acid residue, p.Asp1053del. This deletion does not appear to have been previously described in individuals with PALB2-related disorders and it has not been described in population databases such as ExAC and gnomAD. The functional significance of this sequence change is not known at present and its contribution to this individual's disease phenotype cannot definitively be determined.

Ambry Genetics
Classification: Uncertain significance for Hereditary cancer-predisposing syndrome. Last evaluated: 2017-06-16. Review status: criteria provided, single submitter. Criteria: Ambry Variant Classification Scheme 2023. Collection method: clinical testing. Allele origin: germline.
Comment: The c.3157_3159delGAT variant (also known as p.D1053del) is located in coding exon 11 of the PALB2 gene. This variant results from an in-frame GAT deletion at nucleotide positions 3157 to 3159. This results in the in-frame deletion of an aspartic acid at codon 1053. This amino acid position is not well conserved in available vertebrate species. Since supporting evidence is limited at this time, the clinical significance of this alteration remains unclear.

NM_024675.4(PALB2):c.3154GAT[1] (p.Asp1053del)

Gene: PALB2 (partner and localizer of BRCA2; minus strand). Cytogenetic location: 16p12.2.
Variant type: Microsatellite.
Coding change: c.3154GAT[1] on transcript NM_024675.4 (MANE Select); one copy of the 3-base unit GAT starting at c.3154; the reference has two copies in a row; one copy, 3 bases deleted.
Protein change: p.Asp1053del; deletes aspartic acid 1053.
Molecular consequence: inframe deletion.
Genome position (GRCh38, 1-based): chr16:23,614,046-23,614,048, ATC deleted on the plus strand (GAT on the coding strand, the reverse complement: PALB2 is on the minus strand); deleting any 3 consecutive bases within chr16:23,614,046-23,614,052 gives the same sequence; the position shown is the placement nearest the transcript's 3' end. VCF-style (leftmost placement, unchanged base first): chr16-23614045-AATC-A. GRCh37 (hg19) VCF-style: chr16-23625366-AATC-A.
Other names: c.3157_3159delGAT (NM_024675.3); short protein forms D1053del.
Identifiers: ClinVar variation 484233 (VCV000484233.9), dbSNP rs1555458817, ClinGen allele CA658658459.